The following is an entry in ClinVar:

NM_001084.5(PLOD3):c.1424A>C (p.Glu475Ala)

Gene: PLOD3 (procollagen-lysine,2-oxoglutarate 5-dioxygenase 3; minus strand). Cytogenetic location: 7q22.1.
Variant type: single nucleotide variant.
Coding change: c.1424A>C on transcript NM_001084.5 (MANE Select); coding-DNA position 1424, A replaced by C.
Protein change: p.Glu475Ala; replaces glutamic acid 475 with alanine.
Molecular consequence: missense variant.
Genome position (GRCh38, 1-based): chr7:101,210,608, T>G on the plus strand (A>C on the coding strand, the complement: PLOD3 is on the minus strand). VCF-style: chr7-101210608-T-G. GRCh37 (hg19) VCF-style: chr7-100853889-T-G.
Other names: short protein forms E475A.
Identifiers: ClinVar variation 1484570 (VCV001484570.5), dbSNP rs757612083, ClinGen allele CA4407680.

ClinVar aggregate classification (germline): Uncertain significance (1 of 4 stars; one submission).

Allele frequency attached by ClinVar (database versions not stated): ExAC 0.00001.
gnomAD v4.1: 45 of 1,614,068 alleles (0.0028%); highest among the groups gnomAD compares: Non-Finnish European, 0.0036%; no homozygotes.

Submission:

Labcorp Genetics (formerly Invitae), Labcorp
Classification: Uncertain significance. Last evaluated: 2021-09-24. Review status: criteria provided, single submitter. Criteria: Invitae Variant Classification Sherloc (09022015). Collection method: clinical testing. Allele origin: germline.
Comment: This sequence change replaces glutamic acid with alanine at codon 475 of the PLOD3 protein (p.Glu475Ala). The glutamic acid residue is moderately conserved and there is a moderate physicochemical difference between glutamic acid and alanine. This variant is present in population databases (rs757612083, ExAC 0.002%). This variant has not been reported in the literature in individuals with PLOD3-related conditions. Algorithms developed to predict the effect of missense changes on protein structure and function (SIFT, PolyPhen-2, Align-GVGD) all suggest that this variant is likely to be tolerated, but these predictions have not been confirmed by published functional studies and their clinical significance is uncertain. In summary, the available evidence is currently insufficient to determine the role of this variant in disease. Therefore, it has been classified as a Variant of Uncertain Significance.